The following is an entry in ClinVar:

NM_001510.4(GRID2):c.2024C>T (p.Thr675Ile)

Gene: GRID2 (glutamate ionotropic receptor delta type subunit 2; plus strand). Cytogenetic location: 4q22.2.
Variant type: single nucleotide variant.
Coding change: c.2024C>T on transcript NM_001510.4 (MANE Select); coding-DNA position 2024, C replaced by T.
Protein change: p.Thr675Ile; replaces threonine 675 with isoleucine.
Molecular consequence: missense variant.
Genome position (GRCh38, 1-based): chr4:93,515,242, C>T. VCF-style: chr4-93515242-C-T. GRCh37 (hg19) VCF-style: chr4-94436393-C-T.
Other names: c.1739C>T, p.Thr580Ile (NM_001286838.1); c.2024C>T, p.Thr675Ile (NM_001440459.1); short protein forms T580I, T675I.
Identifiers: ClinVar variation 5003014 (VCV005003014.1).

ClinVar aggregate classification (germline): Uncertain significance (1 of 4 stars; one submission).

Submission:

OLLIN Analises Genomicas, OLLIN
Classification: Uncertain significance. Last evaluated: 2026-08-06. Review status: criteria provided, single submitter. Criteria: ACMG Guidelines 2015 PMID 25741868. Collection method: clinical testing. Allele origin: germline.
Comment: This missense variant, located in exon 13 (of 16), is absent from gnomAD and ClinVar and has not been identified in the literature. In silico analysis predicts that this variant has a tolerated effect. According to the currently available evidence, this variant has been classified as uncertain significance (PM2_P, BP4_M).